The following is an entry in ClinVar:

NM_000238.4(KCNH2):c.403_405del (p.Lys135del)

Gene: KCNH2 (potassium voltage-gated channel subfamily H member 2; minus strand). Cytogenetic location: 7q36.1.
Variant type: Deletion.
Coding change: c.403_405del on transcript NM_000238.4 (MANE Select); coding-DNA positions 403 to 405, 3 bases deleted (AAG; older notation c.403_405delAAG).
Protein change: p.Lys135del; deletes lysine 135.
Molecular consequence: inframe deletion. On other transcripts: inframe indel (5).
Genome position (GRCh38, 1-based): chr7:150,959,639-150,959,641, CTT deleted on the plus strand (AAG on the coding strand, the reverse complement: KCNH2 is on the minus strand); deleting any 3 consecutive bases within chr7:150,959,639-150,959,643 gives the same sequence; the c. name uses the placement nearest the transcript's 3' end. VCF-style (leftmost placement, unchanged base first): chr7-150959638-CCTT-C. GRCh37 (hg19) VCF-style: chr7-150656726-CCTT-C.
Other names: c.113_115delAGA, p.Lys39del (NM_001406753.1, NM_001406756.1); c.224_226delAGA, p.Lys76del (NM_001406755.1); c.101_103delAGA, p.Lys35del (NM_001406757.1); c.401_403delAGA, p.Lys135del (NM_172056.3); short protein forms K39del, K76del, K135del, K35del.
Identifiers: ClinVar variation 1986484 (VCV001986484.4), dbSNP rs1801498635, ClinGen allele CA1752419956.

ClinVar aggregate classification (germline): Uncertain significance (1 of 4 stars; one submission).

Conditions:
Long QT syndrome (LQTS). Identifiers: MedGen C0023976, MeSH D008133, MONDO:0002442. Disease mechanism: loss of function. Inheritance: Various modes of inheritance.

Submission:

Labcorp Genetics (formerly Invitae), Labcorp
Classification: Uncertain significance for Long QT syndrome. Last evaluated: 2022-09-27. Review status: criteria provided, single submitter. Criteria: Invitae Variant Classification Sherloc (09022015). Collection method: clinical testing. Allele origin: germline.
Comment: In summary, the available evidence is currently insufficient to determine the role of this variant in disease. Therefore, it has been classified as a Variant of Uncertain Significance. Experimental studies and prediction algorithms are not available or were not evaluated, and the functional significance of this variant is currently unknown. This variant has not been reported in the literature in individuals affected with KCNH2-related conditions. This variant is not present in population databases (gnomAD no frequency). This variant, c.403_405del, results in the deletion of 1 amino acid(s) of the KCNH2 protein (p.Lys135del), but otherwise preserves the integrity of the reading frame.